The following is an entry in ClinVar:

ClinVar aggregate classification (germline): Uncertain significance. Review status: criteria provided, multiple submitters, no conflicts (2 of 4 stars). 2 submissions from 2 submitters: Uncertain significance (2). Last evaluated 2025-10-29.

Conditions:
Inborn genetic diseases. Identifiers: MedGen C0950123, MeSH D030342.
Asphyxiating thoracic dystrophy 5 (SRTD5). Also called: SHORT-RIB THORACIC DYSPLASIA 5 WITH OR WITHOUT POLYDACTYLY; SHORT-RIB THORACIC DYSPLASIA 5 WITHOUT POLYDACTYLY. Identifiers: Orphanet 474, MedGen C3280598, MONDO:0013717, OMIM 614376.
Senior-Loken syndrome 8 (SLSN8). Identifiers: Orphanet 3156, MedGen C4225376, MONDO:0014579, OMIM 616307.

Allele frequency attached by ClinVar (database versions not stated): gnomAD 0.00001; gnomAD exomes 0.00001; TOPMed 0.00001.
gnomAD v4.1: 8 of 1,613,686 alleles (0.0005%); highest among the groups gnomAD compares: Non-Finnish European, 0.00068%; no homozygotes.

Submissions (2):

Ambry Genetics
Classification: Uncertain significance for Inborn genetic diseases. Last evaluated: 2025-10-29. Review status: criteria provided, single submitter. Criteria: Ambry Variant Classification Scheme 2023. Collection method: clinical testing. Allele origin: germline.

Labcorp Genetics (formerly Invitae), Labcorp
Classification: Uncertain significance for Senior-Loken syndrome 8; Asphyxiating thoracic dystrophy 5. Last evaluated: 2023-04-05. Review status: criteria provided, single submitter. Criteria: Invitae Variant Classification Sherloc (09022015). Collection method: clinical testing. Allele origin: germline.
Comment: In summary, the available evidence is currently insufficient to determine the role of this variant in disease. Therefore, it has been classified as a Variant of Uncertain Significance. Advanced modeling of protein sequence and biophysical properties (such as structural, functional, and spatial information, amino acid conservation, physicochemical variation, residue mobility, and thermodynamic stability) performed at Invitae indicates that this missense variant is not expected to disrupt WDR19 protein function. ClinVar contains an entry for this variant (Variation ID: 1487888). This variant has not been reported in the literature in individuals affected with WDR19-related conditions. This variant is present in population databases (no rsID available, gnomAD 0.003%). This sequence change replaces alanine, which is neutral and non-polar, with valine, which is neutral and non-polar, at codon 1148 of the WDR19 protein (p.Ala1148Val).

NM_025132.4(WDR19):c.3443C>T (p.Ala1148Val)

Gene: WDR19 (WD repeat domain 19; plus strand). Cytogenetic location: 4p14.
Variant type: single nucleotide variant.
Coding change: c.3443C>T on transcript NM_025132.4 (MANE Select); coding-DNA position 3443, C replaced by T.
Protein change: p.Ala1148Val; replaces alanine 1148 with valine.
Molecular consequence: missense variant.
Genome position (GRCh38, 1-based): chr4:39,270,060, C>T. VCF-style: chr4-39270060-C-T. GRCh37 (hg19) VCF-style: chr4-39271680-C-T.
Other names: c.3443C>T (NM_025132.3); c.2963C>T, p.Ala988Val (NM_001317924.2); short protein forms A1148V, A988V.
Identifiers: ClinVar variation 1487888 (VCV001487888.8), dbSNP rs1235824066, ClinGen allele CA356646423.